The following is an entry in ClinVar:

ClinVar aggregate classification (germline): Uncertain significance (1 of 4 stars; one submission).

Conditions:
Familial thoracic aortic aneurysm and aortic dissection (TAAD). Also called: Thoracic aortic aneurysms and dissections. Identifiers: Orphanet 91387, MedGen C4707243, MONDO:0019625.

Submission:

All of Us Research Program, National Institutes of Health
Classification: Uncertain significance for Familial thoracic aortic aneurysm and aortic dissection. Last evaluated: 2023-07-10. Review status: criteria provided, single submitter. Criteria: ACMG Guidelines, 2015. Collection method: clinical testing. Allele origin: germline. Inheritance: Autosomal dominant inheritance. Observed: 1 variant allele, 1 heterozygote.
Comment: This missense variant replaces glutamic acid with glycine at codon 1686 of the MYH11 protein. Computational prediction suggests that this variant may have deleterious impact on protein structure and function (internally defined REVEL score threshold >= 0.7, PMID: 27666373). To our knowledge, functional studies have not been reported for this variant. This variant has not been reported in individuals affected with MYH11-related disorders in the literature. This variant has not been identified in the general population by the Genome Aggregation Database (gnomAD). The available evidence is insufficient to determine the role of this variant in disease conclusively. Therefore, this variant is classified as a Variant of Uncertain Significance.

This study involves interpretation of variants in research participants for the purpose of population health screening. Participant phenotype was not available at the time of variant classification. Additional details can be found in publication PMID: 35346344, PMCID: PMC8962531

NM_002474.3(MYH11):c.5036A>G (p.Glu1679Gly)

Genes: MYH11 (myosin heavy chain 11; minus strand), NDE1 (nudE neurodevelopment protein 1; plus strand). Cytogenetic location: 16p13.11.
Variant type: single nucleotide variant.
Coding change: c.5036A>G on transcript NM_002474.3 (MANE Select); coding-DNA position 5036, A replaced by G.
Protein change: p.Glu1679Gly; replaces glutamic acid 1679 with glycine.
Molecular consequence: missense variant. On other transcripts: intron variant (2).
Genome position (GRCh38, 1-based): chr16:15,719,631, T>C on the plus strand (A>G on the coding strand, the complement: MYH11 is on the minus strand). VCF-style: chr16-15719631-T-C. GRCh37 (hg19) VCF-style: chr16-15813488-T-C.
Other names: c.5057A>G, p.Glu1686Gly (NM_001040113.2, NM_001040114.2); c.5036A>G, p.Glu1679Gly (NM_022844.3); c.948-4560T>C (NM_001143979.2, NM_017668.3); short protein forms E1679G, E1686G.
Identifiers: ClinVar variation 3072427 (VCV003072427.1), dbSNP rs2506108162, ClinGen allele CA394851520.